The following is an entry in ClinVar:

GRCh38/hg38 12p13.2-13.1(chr12:11771233-13547775)x1

Genes: APOLD1 (apolipoprotein L domain containing 1; plus strand), BCL2L14 (BCL2 like 14; plus strand), BORCS5 (BLOC-1 related complex subunit 5; plus strand), CDKN1B (cyclin dependent kinase inhibitor 1B; plus strand), CREBL2 (cAMP responsive element binding protein like 2; plus strand) and 118 more. Cytogenetic location: 12p13.2-13.1.
Variant type: copy number loss.
Change: copy number 1 (one copy instead of two) of chr12:11,771,233-13,547,775 (1.78 Mb, GRCh38 coordinates, 1-based), cytogenetic band 12p13.2-13.1.
Identifiers: ClinVar variation 57166 (VCV000057166.1).

ClinVar aggregate classification (germline): Pathogenic (1 of 4 stars; one submission).

Submission:

ISCA site 4
Classification: Pathogenic. Last evaluated: 2011-08-12. Review status: criteria provided, single submitter. Criteria: Kaminsky et al. (Genet Med. 2011). Collection method: clinical testing. Allele origin: de novo. Affected: yes. Observed: 1 variant allele.
Comment: Copy number variation identified through the course of routine clinical cytogenomic testing in postnatal populations. Clinical assertions have been curated as described in Kaminsky et al. 2011.